The following is an entry in ClinVar:

NM_014363.6(SACS):c.7316_7320del (p.Lys2439fs)

Gene: SACS (sacsin molecular chaperone; minus strand). Cytogenetic location: 13q12.12.
Variant type: Microsatellite.
Coding change: c.7316_7320del on transcript NM_014363.6 (MANE Select); coding-DNA positions 7316 to 7320, 5 bases deleted (AGAAA; older notation c.7316_7320delAGAAA).
Protein change: p.Lys2439fs; shifts the reading frame from lysine 2439.
Molecular consequence: frameshift variant.
Genome position (GRCh38, 1-based): chr13:23,336,556-23,336,560, TTTCT deleted on the plus strand (AGAAA on the coding strand, the reverse complement: SACS is on the minus strand); deleting any 5 consecutive bases within chr13:23,336,556-23,336,565 gives the same sequence; the c. name uses the placement nearest the transcript's 3' end. VCF-style (leftmost placement, unchanged base first): chr13-23336555-GTTTCT-G. GRCh37 (hg19) VCF-style: chr13-23910694-GTTTCT-G.
Other names: c.6875_6879del, p.Lys2292fs (NM_001278055.2); short protein forms K2439fs, K2292fs.
Identifiers: ClinVar variation 1455189 (VCV001455189.6), dbSNP rs2137601578, ClinGen allele CA2580614627.
Genomic context (GRCh38, chr13:23,336,555, plus strand): 5'-GAAGCATAAGATTAGTATCTGGCAATAATATCTTGCCATAATTTTTCTCACAAAATTCTT[GTTTCT>G]TTTCTCTAATGAGACTCCATATTCCTTCACTGATTATTCGTCGGCAAAGCTGAAAATTCT-3'

ClinVar aggregate classification (germline): Pathogenic (1 of 4 stars; one submission).

Conditions:
Spastic paraplegia. Identifiers: MedGen C0037772, HP:0001258.

Submission:

Labcorp Genetics (formerly Invitae), Labcorp
Classification: Pathogenic for Spastic paraplegia. Last evaluated: 2022-05-31. Review status: criteria provided, single submitter. Criteria: Invitae Variant Classification Sherloc (09022015). Collection method: clinical testing. Allele origin: germline.
Comment: This sequence change creates a premature translational stop signal (p.Lys2439Thrfs*5) in the SACS gene. While this is not anticipated to result in nonsense mediated decay, it is expected to disrupt the last 2141 amino acid(s) of the SACS protein. This variant is not present in population databases (gnomAD no frequency). This variant has not been reported in the literature in individuals affected with SACS-related conditions. This variant disrupts a region of the SACS protein in which other variant(s) (p.Tyr4538*) have been determined to be pathogenic (PMID: 15156359, 21507954). This suggests that this is a clinically significant region of the protein, and that variants that disrupt it are likely to be disease-causing. For these reasons, this variant has been classified as Pathogenic.

Literature cited by the submitters: PubMed 15156359; PubMed 21507954.